The following is an entry in ClinVar:

ClinVar aggregate classification (germline): Uncertain significance (1 of 4 stars; one submission).

Conditions:
Autosomal dominant polycystic kidney disease. Identifiers: Orphanet 730, MedGen C0085413, MONDO:0004691.

Submission:

Labcorp Genetics (formerly Invitae), Labcorp
Classification: Uncertain significance for Autosomal dominant polycystic kidney disease. Last evaluated: 2025-04-17. Review status: criteria provided, single submitter. Criteria: Invitae Variant Classification Sherloc (09022015). Collection method: clinical testing. Allele origin: germline.
Comment: This sequence change replaces threonine, which is neutral and polar, with isoleucine, which is neutral and non-polar, at codon 238 of the PKD2 protein (p.Thr238Ile). This variant is not present in population databases (gnomAD no frequency). This variant has not been reported in the literature in individuals affected with PKD2-related conditions. ClinVar contains an entry for this variant (Variation ID: 1713649). Invitae Evidence Modeling of protein sequence and biophysical properties (such as structural, functional, and spatial information, amino acid conservation, physicochemical variation, residue mobility, and thermodynamic stability) indicates that this missense variant is expected to disrupt PKD2 protein function with a positive predictive value of 80%. In summary, the available evidence is currently insufficient to determine the role of this variant in disease. Therefore, it has been classified as a Variant of Uncertain Significance.

NM_000297.4(PKD2):c.713C>T (p.Thr238Ile)

Gene: PKD2 (polycystin 2, transient receptor potential cation channel; plus strand). Cytogenetic location: 4q22.1.
Variant type: single nucleotide variant.
Coding change: c.713C>T on transcript NM_000297.4 (MANE Select); coding-DNA position 713, C replaced by T.
Protein change: p.Thr238Ile; replaces threonine 238 with isoleucine.
Molecular consequence: missense variant. On other transcripts: non-coding transcript variant (1).
Genome position (GRCh38, 1-based): chr4:88,036,223, C>T. VCF-style: chr4-88036223-C-T. GRCh37 (hg19) VCF-style: chr4-88957375-C-T.
Other names: short protein forms T238I.
Identifiers: ClinVar variation 1713649 (VCV001713649.5), dbSNP rs1237789530, ClinGen allele CA357630891.
Genomic context (GRCh38, chr4:88,036,223, plus strand): 5'-TATGTGAATGTGTGCCGGTTCCCTTGGGGCGTTCATTTGGATCTTTCTGTGTTCCAGTGA[C>T]CTACGGCATGATGAGCTCCAATGTGTACTACTACACCCGGATGATGTCACAGCTCTTCCT-3'
Protein context (NP_000288.1, residues 228-248): LLFLIVLCIL[Thr238Ile]YGMMSSNVYY